The following is an entry in ClinVar:

ClinVar aggregate classification (germline): Conflicting classifications of pathogenicity. Review status: criteria provided, conflicting classifications (1 of 4 stars). 7 submissions from 7 submitters: Uncertain significance (5); Likely benign (2). Last evaluated 2026-04-02.

Conditions:
Patterned macular dystrophy 2. Identifiers: Orphanet 99001, MedGen C1837029, MONDO:0012162, OMIM 608970.
CTNNA1-related disorder. Also called: CTNNA1-related condition.
Hereditary cancer-predisposing syndrome. Also called: Neoplastic Syndromes, Hereditary; Tumor predisposition; Hereditary neoplastic syndrome; Hereditary Cancer Syndrome. Identifiers: Orphanet 140162, MedGen C0027672, MeSH D009386, MONDO:0015356.

Allele frequency attached by ClinVar (database versions not stated): gnomAD 0.00001; gnomAD exomes 0.00002 and 0.00008; TOPMed 0.00002; ExAC 0.00009; 1000 Genomes Project 30x 0.00016; 1000 Genomes Project 0.00020.
gnomAD v4.1: 34 of 1,613,318 alleles (0.0021%); highest among the groups gnomAD compares: Admixed American, 0.02%; no homozygotes.

Submissions (7):

PreventionGenetics, part of Exact Sciences
Classification: Uncertain significance for CTNNA1-related condition. Last evaluated: 2026-04-02. Review status: criteria provided, single submitter. Criteria: ACMG Guidelines, 2015. Collection method: clinical testing. Allele origin: germline.
Comment: The CTNNA1 c.1663G>A variant is predicted to result in the amino acid substitution p.Val555Ile. This variant has been reported in individuals with colorectal cancer (Yurgelun et al 2017. PubMed ID: 28135145) and breast cancer (Momozawa et al 2018. PubMed ID: 30287823). Functional studies showed that this variant has a benign effect in yeast system (Delimitsou A et al 2019. PubMed ID: 30851065). This variant is reported in 0.028% of alleles in individuals of Latino descent in gnomAD and has been interpreted as variant of uncertain significance or likely benign in the ClinVar database (Variation ID: 645100). At this time, the clinical significance of this variant is uncertain due to the absence of conclusive functional and genetic evidence.

Labcorp Genetics (formerly Invitae), Labcorp
Classification: Uncertain significance. Last evaluated: 2025-11-24. Review status: criteria provided, single submitter. Criteria: Invitae Variant Classification Sherloc (09022015). Collection method: clinical testing. Allele origin: germline.
Comment: This sequence change replaces valine, which is neutral and non-polar, with isoleucine, which is neutral and non-polar, at codon 555 of the CTNNA1 protein (p.Val555Ile). This variant is present in population databases (rs201877485, gnomAD 0.02%). This variant has not been reported in the literature in individuals affected with CTNNA1-related conditions. ClinVar contains an entry for this variant (Variation ID: 645100). An algorithm developed to predict the effect of missense changes on protein structure and function (PolyPhen-2) suggests that this variant is likely to be tolerated. In summary, the available evidence is currently insufficient to determine the role of this variant in disease. Therefore, it has been classified as a Variant of Uncertain Significance.

GeneDx
Classification: Uncertain significance. Last evaluated: 2025-10-01. Review status: criteria provided, single submitter. Criteria: GeneDx Variant Classification Process June 2021. Collection method: clinical testing. Allele origin: germline. Affected: yes.
Comment: In silico analysis suggests that this missense variant does not alter protein structure/function; Observed in individuals referred for hereditary cancer multi-gene panel testing (PMID: 32051609); This variant is associated with the following publications: (PMID: 32051609)

Center for Genomic Medicine, Rigshospitalet, Copenhagen University Hospital
Classification: Uncertain significance. Last evaluated: 2025-03-04. Review status: criteria provided, single submitter. Criteria: ACMG Guidelines, 2015. Collection method: clinical testing. Allele origin: germline.

Fulgent Genetics
Classification: Uncertain significance for Patterned macular dystrophy 2. Last evaluated: 2024-03-04. Review status: criteria provided, single submitter. Criteria: ACMG Guidelines, 2015. Collection method: clinical testing. Allele origin: germline.

Ambry Genetics
Classification: Likely benign for Hereditary cancer-predisposing syndrome. Last evaluated: 2023-01-26. Review status: criteria provided, single submitter. Criteria: Ambry Variant Classification Scheme 2023. Collection method: clinical testing. Allele origin: germline.

Blueprint Genetics
Classification: Likely benign. Last evaluated: 2022-11-02. Review status: criteria provided, single submitter. Criteria: ACMG Guidelines, 2015. Collection method: clinical testing. Allele origin: germline.

NM_001903.5(CTNNA1):c.1663G>A (p.Val555Ile)

Gene: CTNNA1 (catenin alpha 1; plus strand). Cytogenetic location: 5q31.2.
Variant type: single nucleotide variant.
Coding change: c.1663G>A on transcript NM_001903.5 (MANE Select); coding-DNA position 1663, G replaced by A.
Protein change: p.Val555Ile; replaces valine 555 with isoleucine.
Molecular consequence: missense variant.
Genome position (GRCh38, 1-based): chr5:138,924,626, G>A. VCF-style: chr5-138924626-G-A. GRCh37 (hg19) VCF-style: chr5-138260315-G-A.
Other names: c.1663G>A, p.Val555Ile (NM_001290307.3, NM_001323982.2, NM_001323983.1 and 2 more transcripts); c.1354G>A, p.Val452Ile (NM_001290309.3); c.1294G>A, p.Val432Ile (NM_001290310.3); c.553G>A, p.Val185Ile (NM_001290312.1, NM_001323987.1, NM_001323988.1 and 17 more transcripts); c.1570G>A, p.Val524Ile (NM_001323986.2); c.214G>A, p.Val72Ile (NM_001324006.1, NM_001324007.1, NM_001324008.1 and 2 more transcripts); c.460G>A, p.Val154Ile (NM_001324011.1); c.310G>A, p.Val104Ile (NM_001324012.1, NM_001324013.1); and 1 more; short protein forms V154I, V524I, V185I, V432I, V555I, V72I, V104I, V452I.
Identifiers: ClinVar variation 645100 (VCV000645100.19), dbSNP rs201877485, ClinGen allele CA3432004.
Genomic context (GRCh38, chr5:138,924,626, plus strand): 5'-GTGGATGGCCTGGACCGCACAGCTGGTGCAATTCGAGGCCGGGCAGCCCGGGTCATTCAC[G>A]TAGTCACCTCAGAGATGGACAACTATGAGCCAGGAGTCTACACAGAGAAGGTTCTGGAAG-3'
Protein context (NP_001894.2, residues 545-565): IRGRAARVIH[Val555Ile]VTSEMDNYEP